The following is an entry in ClinVar:

ClinVar aggregate classification (germline): Pathogenic. Review status: no assertion criteria provided (0 of 4 stars). 2 submissions from 2 submitters: Pathogenic (2). Last evaluated 2021-05-19.

Conditions:
Autosomal dominant mitochondrial myopathy with exercise intolerance (IMMD). Also called: Myopathy, isolated mitochondrial, autosomal dominant. Identifiers: Orphanet 457050, MedGen C4015513, MONDO:0014532, OMIM 616209.

Submissions (2):

GeneReviews
Classification: Pathogenic for Autosomal dominant mitochondrial myopathy with exercise intolerance. Last evaluated: 2021-05-19. Review status: no assertion criteria provided. Collection method: literature only. Allele origin: germline.
Comment: Variants reported in cis in persons with early-onset isolated mitochondrial myopathy.

OMIM
Classification: Pathogenic for MYOPATHY, ISOLATED MITOCHONDRIAL, AUTOSOMAL DOMINANT. Last evaluated: 2015-01-01. Review status: no assertion criteria provided. Collection method: literature only. Allele origin: germline.

Literature cited by the submitters: PubMed 25193783 (cited by GeneReviews and OMIM); PubMed 9324076 (cited by OMIM); PubMed 35700042 (cited by OMIM).

NM_213720.2(CHCHD10):c.[43C>A ;172G>C]

Variant type: Haplotype.
Identifiers: ClinVar variation 180222 (VCV000180222.3).